The following is an entry in ClinVar:

ClinVar aggregate classification (germline): Uncertain significance. Review status: criteria provided, multiple submitters, no conflicts (2 of 4 stars). 2 submissions from 2 submitters: Uncertain significance (2). Last evaluated 2024-10-17.

Allele frequency attached by ClinVar (database versions not stated): gnomAD 0.00002; TOPMed 0.00005; ExAC 0.00013.
gnomAD v4.1: 52 of 1,577,432 alleles (0.0033%); highest among the groups gnomAD compares: Admixed American, 0.064%; no homozygotes.

Submissions (2):

Labcorp Genetics (formerly Invitae), Labcorp
Classification: Uncertain significance. Last evaluated: 2024-10-17. Review status: criteria provided, single submitter. Criteria: Invitae Variant Classification Sherloc (09022015). Collection method: clinical testing. Allele origin: germline.
Comment: This sequence change replaces leucine, which is neutral and non-polar, with arginine, which is basic and polar, at codon 4 of the NUP160 protein (p.Leu4Arg). This variant is present in population databases (rs773807670, gnomAD 0.1%). This variant has not been reported in the literature in individuals affected with NUP160-related conditions. ClinVar contains an entry for this variant (Variation ID: 2293309). An algorithm developed to predict the effect of missense changes on protein structure and function (PolyPhen-2) suggests that this variant¬†is likely to be tolerated. In summary, the available evidence is currently insufficient to determine the role of this variant in disease. Therefore, it has been classified as a Variant of Uncertain Significance.

Ambry Genetics
Classification: Uncertain significance. Last evaluated: 2022-10-26. Review status: criteria provided, single submitter. Criteria: Ambry Variant Classification Scheme 2023. Collection method: clinical testing. Allele origin: germline.

NC_000011.10:g.47848410A>C

Genes: NUP160 (nucleoporin 160; minus strand), LOC130005685 (ATAC-STARR-seq lymphoblastoid active region 4704; plus strand). Cytogenetic location: 11p11.2.
Variant type: single nucleotide variant.
Molecular consequence: missense variant (on NM_001318399.1).
Genome position: GRCh38 VCF-style: chr11-47848410-A-C. GRCh37 (hg19) VCF-style: chr11-47869962-A-C.
Other names: c.11T>G, p.Leu4Arg (NM_001318399.1); short protein forms L4R.
Identifiers: ClinVar variation 2293309 (VCV002293309.3), dbSNP rs773807670, ClinGen allele CA5981796.